The following is an entry in ClinVar:

NM_004519.4(KCNQ3):c.2083C>T (p.Pro695Ser)

Gene: KCNQ3 (potassium voltage-gated channel subfamily Q member 3; minus strand). Cytogenetic location: 8q24.22.
Variant type: single nucleotide variant.
Coding change: c.2083C>T on transcript NM_004519.4 (MANE Select); coding-DNA position 2083, C replaced by T.
Protein change: p.Pro695Ser; replaces proline 695 with serine.
Molecular consequence: missense variant.
Genome position (GRCh38, 1-based): chr8:132,129,798, G>A on the plus strand (C>T on the coding strand, the complement: KCNQ3 is on the minus strand). VCF-style: chr8-132129798-G-A. GRCh37 (hg19) VCF-style: chr8-133142045-G-A.
Other names: c.1723C>T, p.Pro575Ser (NM_001204824.2); short protein forms P575S, P695S.
Identifiers: ClinVar variation 2136812 (VCV002136812.4), dbSNP rs2536858575, ClinGen allele CA372216981.
Genomic context (GRCh38, chr8:132,129,798, plus strand): 5'-GTGCAAAAAACCCATAGGGGCTGACTTTGTCAATGGTCACCTGGTGGAAGCTGTAGGGTG[G>A]TTCCGGGGGGCCTGTCTCAGAATAGTTGCAGATGATGGTTTTCAAATCGGAATACCTGTT-3'
Protein context (NP_004510.1, residues 685-705): CNYSETGPPE[Pro695Ser]PYSFHQVTID

ClinVar aggregate classification (germline): Uncertain significance (1 of 4 stars; one submission).

Conditions:
Benign neonatal seizures. Also called: Benign familial neonatal seizures; Benign neonatal familial convulsions; Convulsions benign familial neonatal dominant form; Autosomal dominant form of benign neonatal seizures; Benign familial neonatal epilepsy. Identifiers: Orphanet 1949, MedGen C0220669, MONDO:0016027.

Allele frequency attached by ClinVar (database versions not stated): gnomAD exomes below 0.00001.
gnomAD v4.1: 8 of 1,614,182 alleles (0.0005%); highest among the groups gnomAD compares: Non-Finnish European, 0.00059%; no homozygotes.

Submission:

Labcorp Genetics (formerly Invitae), Labcorp
Classification: Uncertain significance for Benign neonatal seizures. Last evaluated: 2022-05-21. Review status: criteria provided, single submitter. Criteria: Invitae Variant Classification Sherloc (09022015). Collection method: clinical testing. Allele origin: germline.
Comment: This variant has not been reported in the literature in individuals affected with KCNQ3-related conditions. This variant is not present in population databases (gnomAD no frequency). This sequence change replaces proline, which is neutral and non-polar, with serine, which is neutral and polar, at codon 695 of the KCNQ3 protein (p.Pro695Ser). Advanced modeling of protein sequence and biophysical properties (such as structural, functional, and spatial information, amino acid conservation, physicochemical variation, residue mobility, and thermodynamic stability) performed at Invitae indicates that this missense variant is not expected to disrupt KCNQ3 protein function. In summary, the available evidence is currently insufficient to determine the role of this variant in disease. Therefore, it has been classified as a Variant of Uncertain Significance.